The following is an entry in ClinVar:

NM_001069.3(TUBB2A):c.1015A>G (p.Ser339Gly)

Gene: TUBB2A (tubulin beta 2A class IIa; minus strand). Cytogenetic location: 6p25.2.
Variant type: single nucleotide variant.
Coding change: c.1015A>G on transcript NM_001069.3 (MANE Select); coding-DNA position 1015, A replaced by G.
Protein change: p.Ser339Gly; replaces serine 339 with glycine.
Molecular consequence: missense variant.
Genome position (GRCh38, 1-based): chr6:3,154,186, T>C on the plus strand (A>G on the coding strand, the complement: TUBB2A is on the minus strand). VCF-style: chr6-3154186-T-C. GRCh37 (hg19) VCF-style: chr6-3154420-T-C.
Other names: c.760A>G, p.Ser254Gly (NM_001310315.2); short protein forms S254G, S339G.
Identifiers: ClinVar variation 3727248 (VCV003727248.2).

ClinVar aggregate classification (germline): Uncertain significance (1 of 4 stars; one submission).

Submission:

Labcorp Genetics (formerly Invitae), Labcorp
Classification: Uncertain significance. Last evaluated: 2024-11-17. Review status: criteria provided, single submitter. Criteria: Invitae Variant Classification Sherloc (09022015). Collection method: clinical testing. Allele origin: germline.
Comment: This sequence change replaces serine, which is neutral and polar, with glycine, which is neutral and non-polar, at codon 339 of the TUBB2A protein (p.Ser339Gly). This variant is not present in population databases (gnomAD no frequency). This variant has not been reported in the literature in individuals affected with TUBB2A-related conditions. Invitae Evidence Modeling of protein sequence and biophysical properties (such as structural, functional, and spatial information, amino acid conservation, physicochemical variation, residue mobility, and thermodynamic stability) indicates that this missense variant is not expected to disrupt TUBB2A protein function with a negative predictive value of 80%. In summary, the available evidence is currently insufficient to determine the role of this variant in disease. Therefore, it has been classified as a Variant of Uncertain Significance.